The following is an entry in ClinVar:

NM_000742.4(CHRNA2):c.*936C>T

Gene: CHRNA2 (cholinergic receptor nicotinic alpha 2 subunit; minus strand). Cytogenetic location: 8p21.2.
Variant type: single nucleotide variant.
Coding change: c.*936C>T on transcript NM_000742.4 (MANE Select); 936 bases downstream of the stop codon, C replaced by T.
Molecular consequence: 3 prime UTR variant.
Genome position (GRCh38, 1-based): chr8:27,460,693, G>A on the plus strand (C>T on the coding strand, the complement: CHRNA2 is on the minus strand). VCF-style: chr8-27460693-G-A. GRCh37 (hg19) VCF-style: chr8-27318210-G-A.
Other names: c.*936C>T (NM_001282455.2, NM_001347705.2, NM_001347706.2 and 2 more transcripts).
Identifiers: ClinVar variation 362679 (VCV000362679.5), dbSNP rs112587531, ClinGen allele CA10625271.

ClinVar aggregate classification (germline): Benign (1 of 4 stars; one submission).

Conditions:
Autosomal dominant nocturnal frontal lobe epilepsy 4. Also called: EPILEPSY, FAMILIAL, WITH NOCTURNAL WANDERING AND ICTAL FEAR; CHRNA2-Related Nocturnal Frontal Lobe Epilepsy, Autosomal Dominant. Identifiers: Orphanet 98784, MedGen C1835905, MONDO:0012474, OMIM 610353.

Allele frequency attached by ClinVar (database versions not stated): gnomAD 0.02613 and 0.02798; TOPMed 0.02954; 1000 Genomes Project 0.03115; 1000 Genomes Project 30x 0.03232.

Submission:

Illumina Laboratory Services, Illumina
Classification: Benign for Autosomal dominant nocturnal frontal lobe epilepsy 4. Last evaluated: 2018-01-13. Review status: criteria provided, single submitter. Criteria: ICSL Variant Classification Criteria 13 December 2019. Collection method: clinical testing. Allele origin: germline.
Comment: This variant was observed in the ICSL laboratory as part of a predisposition screen in an ostensibly healthy population. It had not been previously curated by ICSL or reported in the Human Gene Mutation Database (HGMD: prior to June 1st, 2018), and was therefore a candidate for classification through an automated scoring system. Utilizing variant allele frequency, disease prevalence and penetrance estimates, and inheritance mode, an automated score was calculated to assess if this variant is too frequent to cause the disease. Based on the score and internal cut-off values, a variant classified as benign is not then subjected to further curation. The score for this variant resulted in a classification of benign for this disease.